The following is an entry in ClinVar:

ClinVar aggregate classification (germline): Likely benign (1 of 4 stars; one submission).

gnomAD v4.1: 47 of 1,428,736 alleles (0.0033%); highest among the groups gnomAD compares: African/African-American, 0.058%; no homozygotes.

Submission:

CeGaT Center for Human Genetics Tuebingen
Classification: Likely benign. Last evaluated: 2026-03-01. Review status: criteria provided, single submitter. Criteria: CeGaT Center For Human Genetics Tuebingen Variant Classification Criteria Version 2. Collection method: clinical testing. Allele origin: germline. Affected: yes. Observed: 1 variant allele.
Comment: TSC2: BP4, BP7

NM_000548.5(TSC2):c.336+72T>C

Gene: TSC2 (TSC complex subunit 2; plus strand). Cytogenetic location: 16p13.3.
Variant type: single nucleotide variant.
Coding change: c.336+72T>C on transcript NM_000548.5 (MANE Select); 72 bases into the intron after coding-DNA position 336, T replaced by C.
Molecular consequence: intron variant. On other transcripts: synonymous variant (3), 5 prime UTR variant (1).
Genome position (GRCh38, 1-based): chr16:2,053,524, T>C. VCF-style: chr16-2053524-T-C. GRCh37 (hg19) VCF-style: chr16-2103525-T-C.
Other names: c.408T>C, p.Arg136= (NM_001406667.1, NM_001406668.1); c.261T>C, p.Arg87= (NM_001406677.1); c.-1330T>C (NM_001406693.1); c.-481+72T>C (NM_001406680.1, NM_001406683.1, NM_001406687.1); c.-1096+72T>C (NM_001406689.1, NM_001406690.1, NM_001406692.1 and 2 more transcripts); c.-1272+72T>C (NM_001406698.1); c.336+72T>C (NM_001114382.3, NM_001406663.1, NM_001406664.1 and 8 more transcripts); c.-977+72T>C (NM_001406694.1, NM_001406695.1); and 6 more.
Identifiers: ClinVar variation 4822703 (VCV004822703.4).